The following is an entry in ClinVar:

ClinVar aggregate classification (germline): Benign/Likely benign. Review status: criteria provided, multiple submitters, no conflicts (2 of 4 stars). 4 submissions from 4 submitters: Benign (2); Likely benign (2). Last evaluated 2026-03-01.

Allele frequency attached by ClinVar (database versions not stated): 1000 Genomes Project 30x 0.00031; ESP Exome Variant Server 0.00038; 1000 Genomes Project 0.00040; gnomAD 0.00044 and 0.00048; TOPMed 0.00049; gnomAD exomes 0.00092; ExAC 0.00097.
gnomAD v4.1: 1,522 of 1,613,964 alleles (0.094%); highest among the groups gnomAD compares: South Asian, 0.41%; 2 homozygotes.

Submissions (4):

CeGaT Center for Human Genetics Tuebingen
Classification: Likely benign. Last evaluated: 2026-03-01. Review status: criteria provided, single submitter. Criteria: CeGaT Center For Human Genetics Tuebingen Variant Classification Criteria Version 2. Collection method: clinical testing. Allele origin: germline. Affected: yes. Observed: 1 variant allele.
Comment: PRKD1: BP4, BP7

Blueprint Genetics
Classification: Likely benign. Last evaluated: 2024-11-25. Review status: criteria provided, single submitter. Criteria: ACMG Guidelines, 2015. Collection method: clinical testing. Allele origin: germline.

Labcorp Genetics (formerly Invitae), Labcorp
Classification: Benign. Last evaluated: 2019-12-31. Review status: criteria provided, single submitter. Criteria: Invitae Variant Classification Sherloc (09022015). Collection method: clinical testing. Allele origin: germline.

Breakthrough Genomics
Classification: Benign. Review status: criteria provided, single submitter. Criteria: ACMG Guidelines, 2015. Collection method: not provided. Allele origin: germline. Inheritance: Autosomal dominant inheritance. Affected: yes.

NM_002742.3(PRKD1):c.618C>T (p.Asn206=)

Gene: PRKD1 (protein kinase D1; minus strand). Cytogenetic location: 14q12.
Variant type: single nucleotide variant.
Coding change: c.618C>T on transcript NM_002742.3 (MANE Select); coding-DNA position 618, C replaced by T.
Protein change: p.Asn206=; no amino-acid change (asparagine 206 retained).
Molecular consequence: synonymous variant.
Genome position (GRCh38, 1-based): chr14:29,663,777, G>A on the plus strand (C>T on the coding strand, the complement: PRKD1 is on the minus strand). VCF-style: chr14-29663777-G-A. GRCh37 (hg19) VCF-style: chr14-30132983-G-A.
Other names: c.618C>T, p.Asn206= (NM_001330069.2); c.330C>T, p.Asn110= (NM_001348390.1).
Identifiers: ClinVar variation 718126 (VCV000718126.10), dbSNP rs55949943, ClinGen allele CA7141430.